The following is an entry in ClinVar:

ClinVar aggregate classification (germline): Uncertain significance. Review status: criteria provided, multiple submitters, no conflicts (2 of 4 stars). 2 submissions from 2 submitters: Uncertain significance (2). Last evaluated 2024-03-21.

Conditions:
Hereditary cancer-predisposing syndrome. Also called: Neoplastic Syndromes, Hereditary; Tumor predisposition; Hereditary Cancer Syndrome; Hereditary neoplastic syndrome. Identifiers: Orphanet 140162, MedGen C0027672, MeSH D009386, MONDO:0015356.
Gastrointestinal stromal tumor. Also called: Gastrointestinal stromal tumor, somatic; Gastrointestinal stroma tumor. Identifiers: Orphanet 44890, MedGen C0238198, MeSH D046152, MONDO:0011719, OMIM 606764, HP:0100723.

Submissions (2):

Labcorp Genetics (formerly Invitae), Labcorp
Classification: Uncertain significance for Gastrointestinal stromal tumor. Last evaluated: 2024-03-21. Review status: criteria provided, single submitter. Criteria: Invitae Variant Classification Sherloc (09022015). Collection method: clinical testing. Allele origin: germline.
Comment: This sequence change replaces serine, which is neutral and polar, with threonine, which is neutral and polar, at codon 123 of the KIT protein (p.Ser123Thr). This variant is not present in population databases (gnomAD no frequency). This variant has not been reported in the literature in individuals affected with KIT-related conditions. An algorithm developed to predict the effect of missense changes on protein structure and function (PolyPhen-2) suggests that this variant is likely to be tolerated. In summary, the available evidence is currently insufficient to determine the role of this variant in disease. Therefore, it has been classified as a Variant of Uncertain Significance.

Ambry Genetics
Classification: Uncertain significance for Hereditary cancer-predisposing syndrome. Last evaluated: 2023-11-19. Review status: criteria provided, single submitter. Criteria: Ambry Variant Classification Scheme 2023. Collection method: clinical testing. Allele origin: germline.
Comment: The p.S123T variant (also known as c.367T>A), located in coding exon 3 of the KIT gene, results from a T to A substitution at nucleotide position 367. The serine at codon 123 is replaced by threonine, an amino acid with similar properties. This amino acid position is conserved. In addition, this alteration is predicted to be tolerated by in silico analysis. Since supporting evidence is limited at this time, the clinical significance of this alteration remains unclear.

NM_000222.3(KIT):c.367T>A (p.Ser123Thr)

Gene: KIT (KIT proto-oncogene, receptor tyrosine kinase; plus strand). Cytogenetic location: 4q12.
Variant type: single nucleotide variant.
Coding change: c.367T>A on transcript NM_000222.3 (MANE Select); coding-DNA position 367, T replaced by A.
Protein change: p.Ser123Thr; replaces serine 123 with threonine.
Molecular consequence: missense variant.
Genome position (GRCh38, 1-based): chr4:54,698,313, T>A. VCF-style: chr4-54698313-T-A. GRCh37 (hg19) VCF-style: chr4-55564479-T-A.
Other names: c.367T>A, p.Ser123Thr (NM_001093772.2, NM_001385284.1, NM_001385285.1 and 4 more transcripts); short protein forms S123T.
Identifiers: ClinVar variation 3230682 (VCV003230682.3), dbSNP rs2475450331, ClinGen allele CA356897436.